The following is an entry in ClinVar:

ClinVar aggregate classification (germline): Uncertain significance. Review status: criteria provided, multiple submitters, no conflicts (2 of 4 stars). 2 submissions from 2 submitters: Uncertain significance (2). Last evaluated 2024-10-18.

Allele frequency attached by ClinVar (database versions not stated): gnomAD 0.00001; gnomAD exomes 0.00001; TOPMed 0.00001; ExAC 0.00002; 1000 Genomes Project 30x 0.00016; 1000 Genomes Project 0.00020.
gnomAD v4.1: 19 of 1,613,116 alleles (0.0012%); highest among the groups gnomAD compares: Admixed American, 0.022%; no homozygotes.

Submissions (2):

Labcorp Genetics (formerly Invitae), Labcorp
Classification: Uncertain significance. Last evaluated: 2024-10-18. Review status: criteria provided, single submitter. Criteria: Invitae Variant Classification Sherloc (09022015). Collection method: clinical testing. Allele origin: germline.
Comment: This sequence change replaces glutamic acid, which is acidic and polar, with lysine, which is basic and polar, at codon 5233 of the HMCN1 protein (p.Glu5233Lys). This variant is present in population databases (rs184092836, gnomAD 0.03%). This variant has not been reported in the literature in individuals affected with HMCN1-related conditions. An algorithm developed to predict the effect of missense changes on protein structure and function (PolyPhen-2) suggests that this variant is likely to be disruptive. In summary, the available evidence is currently insufficient to determine the role of this variant in disease. Therefore, it has been classified as a Variant of Uncertain Significance.

Ambry Genetics
Classification: Uncertain significance. Last evaluated: 2024-01-23. Review status: criteria provided, single submitter. Criteria: Ambry Variant Classification Scheme 2023. Collection method: clinical testing. Allele origin: germline.

NM_031935.3(HMCN1):c.15697G>A (p.Glu5233Lys)

Gene: HMCN1 (hemicentin 1; plus strand). Cytogenetic location: 1q31.1.
Variant type: single nucleotide variant.
Coding change: c.15697G>A on transcript NM_031935.3 (MANE Select); coding-DNA position 15697, G replaced by A.
Protein change: p.Glu5233Lys; replaces glutamic acid 5233 with lysine.
Molecular consequence: missense variant.
Genome position (GRCh38, 1-based): chr1:186,172,014, G>A. VCF-style: chr1-186172014-G-A. GRCh37 (hg19) VCF-style: chr1-186141146-G-A.
Other names: c.15697G>A (NM_031935.2); short protein forms E5233K.
Identifiers: ClinVar variation 2715834 (VCV002715834.4), dbSNP rs184092836, ClinGen allele CA1295355.